The following is an entry in ClinVar:

NM_001093.4(ACACB):c.6891C>T (p.Phe2297=)

Genes: ACACB (acetyl-CoA carboxylase beta; plus strand), LOC130008714 (ATAC-STARR-seq lymphoblastoid active region 6984; plus strand). Cytogenetic location: 12q24.11.
Variant type: single nucleotide variant.
Coding change: c.6891C>T on transcript NM_001093.4 (MANE Select); coding-DNA position 6891, C replaced by T.
Protein change: p.Phe2297=; no amino-acid change (phenylalanine 2297 retained).
Molecular consequence: synonymous variant.
Genome position (GRCh38, 1-based): chr12:109,264,335, C>T. VCF-style: chr12-109264335-C-T. GRCh37 (hg19) VCF-style: chr12-109702140-C-T.
Identifiers: ClinVar variation 770610 (VCV000770610.5), dbSNP rs142105388, ClinGen allele CA6775263.
Genomic context (GRCh38, chr12:109,264,335, plus strand): 5'-CCGGCTAAAGGCTCGCGAGGACCTGCTGCTCCCCATCTACCACCAGGTGGCGGTGCAGTT[C>T]GCCGACTTCCATGACACACCCGGCCGGATGCTGGAGAAGGGCGTCATATCTGTGAGAGCC-3'
Protein context (NP_001084.3, residues 2287-2307): LPIYHQVAVQ[Phe2297=]ADFHDTPGRM

ClinVar aggregate classification (germline): Benign. Review status: criteria provided, single submitter (1 of 4 stars). 2 submissions from 2 submitters: Benign (1). 1 of the submissions does not count toward it. Last evaluated 2018-10-24.

Conditions:
ACACB-related disorder. Also called: ACACB-related condition.

Allele frequency attached by ClinVar (database versions not stated): gnomAD exomes 0.00044; ExAC 0.00055; 1000 Genomes Project 30x 0.00125; 1000 Genomes Project 0.00160; ESP Exome Variant Server 0.00177; gnomAD 0.00184 and 0.00187; TOPMed 0.00184.
gnomAD v4.1: 642 of 1,614,072 alleles (0.04%); highest among the groups gnomAD compares: African/African-American, 0.61%; 4 homozygotes.

Submissions (2):

Labcorp Genetics (formerly Invitae), Labcorp
Classification: Benign. Last evaluated: 2018-10-24. Review status: criteria provided, single submitter. Criteria: Invitae Variant Classification Sherloc (09022015). Collection method: clinical testing. Allele origin: germline.

PreventionGenetics, part of Exact Sciences
Classification: Likely benign for ACACB-related condition. Last evaluated: 2019-08-12. Review status: no assertion criteria provided. Collection method: clinical testing. Allele origin: germline. Not counted in ClinVar's aggregate classification.
Comment: This variant is classified as likely benign based on ACMG/AMP sequence variant interpretation guidelines (Richards et al. 2015 PMID: 25741868, with internal and published modifications).